The following is an entry in ClinVar:

NM_001374259.2(IL12RB2):c.869A>G (p.Tyr290Cys)

Gene: IL12RB2 (interleukin 12 receptor subunit beta 2; plus strand). Cytogenetic location: 1p31.3.
Variant type: single nucleotide variant.
Coding change: c.869A>G on transcript NM_001374259.2 (MANE Select); coding-DNA position 869, A replaced by G.
Protein change: p.Tyr290Cys; replaces tyrosine 290 with cysteine.
Molecular consequence: missense variant. On other transcripts: non-coding transcript variant (2).
Genome position (GRCh38, 1-based): chr1:67,330,721, A>G. VCF-style: chr1-67330721-A-G. GRCh37 (hg19) VCF-style: chr1-67796404-A-G.
Other names: c.869A>G, p.Tyr290Cys (NM_001559.3, NM_001258214.1, NM_001258215.1 and 2 more transcripts); short protein forms Y290C.
Identifiers: ClinVar variation 3616811 (VCV003616811.2).

ClinVar aggregate classification (germline): Uncertain significance (1 of 4 stars; one submission).

gnomAD v4.1: 4 of 1,530,388 alleles (0.00026%); highest among the groups gnomAD compares: Non-Finnish European, 0.00036%; no homozygotes.

Submission:

Labcorp Genetics (formerly Invitae), Labcorp
Classification: Uncertain significance. Last evaluated: 2024-06-20. Review status: criteria provided, single submitter. Criteria: Invitae Variant Classification Sherloc (09022015). Collection method: clinical testing. Allele origin: germline.
Comment: This sequence change replaces tyrosine, which is neutral and polar, with cysteine, which is neutral and slightly polar, at codon 290 of the IL12RB2 protein (p.Tyr290Cys). This variant is present in population databases (no rsID available, gnomAD 0.0009%). This variant has not been reported in the literature in individuals affected with IL12RB2-related conditions. An algorithm developed to predict the effect of missense changes on protein structure and function (PolyPhen-2) suggests that this variant is likely to be disruptive. In summary, the available evidence is currently insufficient to determine the role of this variant in disease. Therefore, it has been classified as a Variant of Uncertain Significance.